The following is an entry in ClinVar:

NM_000159.4(GCDH):c.511G>T (p.Gly171Trp)

Gene: GCDH (glutaryl-CoA dehydrogenase; plus strand). Cytogenetic location: 19p13.13.
Variant type: single nucleotide variant.
Coding change: c.511G>T on transcript NM_000159.4 (MANE Select); coding-DNA position 511, G replaced by T.
Protein change: p.Gly171Trp; replaces glycine 171 with tryptophan.
Molecular consequence: missense variant. On other transcripts: non-coding transcript variant (2).
Genome position (GRCh38, 1-based): chr19:12,895,997, G>T. VCF-style: chr19-12895997-G-T. GRCh37 (hg19) VCF-style: chr19-13006811-G-T.
Other names: c.511G>T, p.Gly171Trp (NM_013976.5); short protein forms G171W.
Identifiers: ClinVar variation 1353095 (VCV001353095.7), dbSNP rs2145950047, ClinGen allele CA404317915.

ClinVar aggregate classification (germline): Pathogenic/Likely pathogenic. Review status: criteria provided, multiple submitters, no conflicts (2 of 4 stars). 2 submissions from 2 submitters: Pathogenic (1); Likely pathogenic (1). Last evaluated 2025-05-22.

Conditions:
Glutaric aciduria, type 1. Also called: Glutaric Acidemia Type 1; GA I; Glutaryl-CoA dehydrogenase deficiency; Glutaric acidemia type I; Glutaricacidemia Type 1; Glutaricaciduria, type I. Identifiers: Orphanet 25, MedGen C0268595, MONDO:0009281, OMIM 231670.

Submissions (2):

Women's Health and Genetics/Laboratory Corporation of America, LabCorp
Classification: Likely pathogenic for Glutaric aciduria, type 1. Last evaluated: 2025-05-22. Review status: criteria provided, single submitter. Criteria: LabCorp Variant Classification Summary - May 2015. Collection method: clinical testing. Allele origin: germline.
Comment: Variant summary: GCDH c.511G>T (p.Gly171Trp) results in a non-conservative amino acid change in the encoded protein sequence. Algorithms developed to predict the effect of missense changes on protein structure and function all suggest that this variant is likely to be disruptive. The variant was absent in 251158 control chromosomes. c.511G>T has been observed in at-least two individual affected with Glutaric Acidemia Type 1 (Boy_2018, Heringer_2010, Kolker_2007, Schuurmans_2023). These data indicate that the variant may be associated with disease. To our knowledge, no experimental evidence demonstrating an impact on protein function has been reported. Additionally, one variant at the Gly171 residue has been reported as likely pathogenic in ClinVar (p.Gly171Arg), suggesting that this codon might be functionally important. The following publications have been ascertained in the context of this evaluation (PMID: 29665094, 21031586, 17622945, 37020324). ClinVar contains an entry for this variant (Variation ID: 1353095). Based on the evidence outlined above, the variant was classified as likely pathogenic.

Labcorp Genetics (formerly Invitae), Labcorp
Classification: Pathogenic for Glutaric aciduria, type 1. Last evaluated: 2021-09-21. Review status: criteria provided, single submitter. Criteria: Invitae Variant Classification Sherloc (09022015). Collection method: clinical testing. Allele origin: germline.
Comment: For these reasons, this variant has been classified as Pathogenic. This variant disrupts the p.Gly171 amino acid residue in GCDH. Other variant(s) that disrupt this residue have been determined to be pathogenic (PMID: 29665094; Invitae). This suggests that this residue is clinically significant, and that variants that disrupt this residue are likely to be disease-causing. Algorithms developed to predict the effect of sequence changes on RNA splicing suggest that this variant may create or strengthen a splice site. Advanced modeling of protein sequence and biophysical properties (such as structural, functional, and spatial information, amino acid conservation, physicochemical variation, residue mobility, and thermodynamic stability) performed at Invitae indicates that this missense variant is expected to disrupt GCDH protein function. This missense change has been observed in individual(s) with GCDH-related conditions (PMID: 29665094). This variant is not present in population databases (ExAC no frequency). This sequence change replaces glycine with tryptophan at codon 171 of the GCDH protein (p.Gly171Trp). The glycine residue is highly conserved and there is a large physicochemical difference between glycine and tryptophan.

Literature cited by the submitters: PubMed 17622945 (cited by Women's Health and Genetics/Laboratory Corporation of America, LabCorp); PubMed 29665094 (cited by Women's Health and Genetics/Laboratory Corporation of America, LabCorp and Labcorp Genetics (formerly Invitae), Labcorp); PubMed 21031586 (cited by Women's Health and Genetics/Laboratory Corporation of America, LabCorp); PubMed 37020324 (cited by Women's Health and Genetics/Laboratory Corporation of America, LabCorp).